The following is an entry in ClinVar:

ClinVar aggregate classification (germline): Likely pathogenic. Review status: criteria provided, single submitter (1 of 4 stars). 2 submissions from 2 submitters: Likely pathogenic (1). 1 of the submissions does not count toward it. Last evaluated 2025-03-07.

Conditions:
Primary hyperoxaluria, type II (HP2). Also called: D-GLYCERATE DEHYDROGENASE DEFICIENCY; GLYCERIC ACIDURIA; GLYOXYLATE REDUCTASE/HYDROXYPYRUVATE REDUCTASE DEFICIENCY; OXALOSIS II; Primary hyperoxaluria type 2. Identifiers: Orphanet 416, Orphanet 93599, MedGen C0268165, MONDO:0009824, OMIM 260000. Disease mechanism: loss of function.

Allele frequency attached by ClinVar (database versions not stated): gnomAD exomes below 0.00001.

Submissions (2):

Natera, Inc.
Classification: Likely pathogenic for Primary hyperoxaluria type II. Last evaluated: 2025-03-07. Review status: criteria provided, single submitter. Criteria: Natera Variant Classification Schema (03/2026). Collection method: clinical testing. Allele origin: germline.
Comment: The c.215-2_215-1del variant in GRHPR is a canonical splice acceptor site variant predicted to affect pre-mRNA splicing, which may result in an abnormal transcript and altered protein product. This variant is expected to result in nonsense mediated decay, truncation, or a dysfunctional protein product. This variant is rare in the general population with a frequency below the threshold expected for the associated phenotype(s). Given the available evidence, this variant is classified as Likely Pathogenic.

Counsyl
Classification: Likely pathogenic for Primary hyperoxaluria, type II. Last evaluated: 2017-03-24. Review status: no assertion criteria provided. Collection method: clinical testing. Allele origin: unknown. Not counted in ClinVar's aggregate classification.

NM_012203.2(GRHPR):c.215-2_215-1del

Gene: GRHPR (glyoxylate and hydroxypyruvate reductase; plus strand). Cytogenetic location: 9p13.2.
Variant type: Deletion.
Coding change: c.215-2_215-1del on transcript NM_012203.2 (MANE Select); the canonical splice acceptor site of the intron before coding-DNA position 215, 2 bases deleted (AG; older notation c.215-2_215-1delAG).
Molecular consequence: splice acceptor variant.
Genome position (GRCh38, 1-based): chr9:37,425,920-37,425,921, AG deleted. VCF-style (leftmost placement, unchanged base first): chr9-37425919-CAG-C. GRCh37 (hg19) VCF-style: chr9-37425916-CAG-C.
Other names: c.215-2_215-1delAG (NM_012203.1); c.215-2_215-1del (NM_012203.1).
Identifiers: ClinVar variation 551215 (VCV000551215.4), dbSNP rs1554746793, ClinGen allele CA658821310.